The following is an entry in ClinVar:

ClinVar aggregate classification (germline): Uncertain significance (1 of 4 stars; one submission).

Allele frequency attached by ClinVar (database versions not stated): gnomAD exomes below 0.00001.

Submission:

Labcorp Genetics (formerly Invitae), Labcorp
Classification: Uncertain significance. Last evaluated: 2021-04-30. Review status: criteria provided, single submitter. Criteria: Invitae Variant Classification Sherloc (09022015). Collection method: clinical testing. Allele origin: germline.
Comment: Algorithms developed to predict the effect of missense changes on protein structure and function are either unavailable or do not agree on the potential impact of this missense change (SIFT: "Deleterious"; PolyPhen-2: "Probably Damaging"; Align-GVGD: "Class C0"). This variant has not been reported in the literature in individuals with FBXO11-related conditions. This variant is not present in population databases (ExAC no frequency). This sequence change replaces histidine with arginine at codon 499 of the FBXO11 protein (p.His499Arg). The histidine residue is highly conserved and there is a small physicochemical difference between histidine and arginine. In summary, the available evidence is currently insufficient to determine the role of this variant in disease. Therefore, it has been classified as a Variant of Uncertain Significance.

NM_001190274.2(FBXO11):c.1496A>G (p.His499Arg)

Gene: FBXO11 (F-box protein 11; minus strand). Cytogenetic location: 2p16.3.
Variant type: single nucleotide variant.
Coding change: c.1496A>G on transcript NM_001190274.2 (MANE Select); coding-DNA position 1496, A replaced by G.
Protein change: p.His499Arg; replaces histidine 499 with arginine.
Molecular consequence: missense variant.
Genome position (GRCh38, 1-based): chr2:47,823,263, T>C on the plus strand (A>G on the coding strand, the complement: FBXO11 is on the minus strand). VCF-style: chr2-47823263-T-C. GRCh37 (hg19) VCF-style: chr2-48050402-T-C.
Other names: c.1244A>G, p.His415Arg (NM_001374325.1, NM_025133.4); short protein forms H415R, H499R.
Identifiers: ClinVar variation 1350294 (VCV001350294.8), dbSNP rs2104739270, ClinGen allele CA346764917.
Genomic context (GRCh38, chr2:47,823,263, plus strand): 5'-TTATTCTCTATGAATTGTCCTCTTCCTTTTTCATGGACATATATTCCTCCAGTCTGCCCA[T>C]GGTGAATTTCACATCGAACCACTGTAGGGTTAGCATAGGCTTTTACTTCAAAGCCTGCTA-3'
Protein context (NP_001177203.1, residues 489-509): NPTVVRCEIH[His499Arg]GQTGGIYVHE